The following is an entry in ClinVar:

ClinVar aggregate classification (germline): Pathogenic (1 of 4 stars; one submission).

Conditions:
Hydrocephalus, nonsyndromic, autosomal recessive 1 (HYC1). Also called: Hydrocephalus, nonsyndromic, autosomal recessive; Congenital hydrocephalus 1. Identifiers: Orphanet 2185, MedGen C3887608, MONDO:0009360, OMIM 236600.

gnomAD v4.1: 2 of 1,611,276 alleles (0.00012%); highest among the groups gnomAD compares: Non-Finnish European, 0.000085%; no homozygotes.

Submission:

Myriad Genetics, Inc.
Classification: Pathogenic for Hydrocephalus, nonsyndromic, autosomal recessive 1. Last evaluated: 2024-11-06. Review status: criteria provided, single submitter. Criteria: Myriad Autosomal Dominant, Autosomal Recessive and X-Linked Classification Criteria (2023). Collection method: clinical testing. Allele origin: unknown.
Comment: NM_001080414.3(CCDC88C):c.1912C>T(Q638*) is expected to be pathogenic in the context of congenital hydrocephalus, CCDC88C-related. This variant is predicted to lead to an abnormal or absent protein product due to the creation of a premature termination codon in CCDC88C, a gene where loss-of-function variants are known to be pathogenic. Please note: this variant was assessed in the context of healthy population screening.

NM_001080414.4(CCDC88C):c.1912C>T (p.Gln638Ter)

Gene: CCDC88C (coiled-coil and HOOK domain protein 88C; minus strand). Cytogenetic location: 14q32.11.
Variant type: single nucleotide variant.
Coding change: c.1912C>T on transcript NM_001080414.4 (MANE Select); coding-DNA position 1912, C replaced by T.
Protein change: p.Gln638Ter; replaces glutamine 638 with a stop codon.
Molecular consequence: nonsense. On other transcripts: non-coding transcript variant (2).
Genome position (GRCh38, 1-based): chr14:91,313,904, G>A on the plus strand (C>T on the coding strand, the complement: CCDC88C is on the minus strand). VCF-style: chr14-91313904-G-A. GRCh37 (hg19) VCF-style: chr14-91780248-G-A.
Other names: short protein forms Q638*.
Identifiers: ClinVar variation 5013713 (VCV005013713.1).